The following is an entry in ClinVar:

ClinVar aggregate classification (germline): Pathogenic (1 of 4 stars; one submission).

Submission:

Labcorp Genetics (formerly Invitae), Labcorp
Classification: Pathogenic. Last evaluated: 2023-10-27. Review status: criteria provided, single submitter. Criteria: Invitae Variant Classification Sherloc (09022015). Collection method: clinical testing. Allele origin: germline.
Comment: This sequence change creates a premature translational stop signal (p.Arg78Serfs*22) in the SEPSECS gene. It is expected to result in an absent or disrupted protein product. Loss-of-function variants in SEPSECS are known to be pathogenic (PMID: 25558065, 25590979, 26115735). This variant is not present in population databases (gnomAD no frequency). This variant has not been reported in the literature in individuals affected with SEPSECS-related conditions. For these reasons, this variant has been classified as Pathogenic.

Literature cited by the submitters: PubMed 25558065; PubMed 25590979; PubMed 26115735.

NM_016955.4(SEPSECS):c.234_235del (p.Arg78fs)

Gene: SEPSECS (Sep (O-phosphoserine) tRNA:Sec (selenocysteine) tRNA synthase; minus strand). Cytogenetic location: 4p15.2.
Variant type: Microsatellite.
Coding change: c.234_235del on transcript NM_016955.4 (MANE Select); coding-DNA positions 234 to 235, 2 bases deleted (AG; older notation c.234_235delAG).
Protein change: p.Arg78fs; shifts the reading frame from arginine 78.
Molecular consequence: frameshift variant.
Genome position (GRCh38, 1-based): chr4:25,158,987-25,158,988, CT deleted on the plus strand (AG on the coding strand, the reverse complement: SEPSECS is on the minus strand); deleting any 2 consecutive bases within chr4:25,158,987-25,158,991 gives the same sequence; the c. name uses the placement nearest the transcript's 3' end. VCF-style (leftmost placement, unchanged base first): chr4-25158986-ACT-A. GRCh37 (hg19) VCF-style: chr4-25160608-ACT-A.
Other names: c.489_490del, p.Arg163fs (NM_001410714.1); c.231_232GA[1], p.Arg78Serfs (NM_153825.2); short protein forms R163fs, R78fs.
Identifiers: ClinVar variation 2772091 (VCV002772091.3), dbSNP rs2474687422, ClinGen allele CA2697557100.